The following is an entry in ClinVar:

ClinVar aggregate classification (germline): Uncertain significance (1 of 4 stars; one submission).

Conditions:
Adenylosuccinate lyase deficiency (ADSLD). Also called: ADSL DEFICIENCY. Identifiers: Orphanet 46, MedGen C0268126, MONDO:0007068, OMIM 103050.

Allele frequency attached by ClinVar (database versions not stated): gnomAD 0.00001.

Submission:

Labcorp Genetics (formerly Invitae), Labcorp
Classification: Uncertain significance for Adenylosuccinate lyase deficiency. Last evaluated: 2022-07-26. Review status: criteria provided, single submitter. Criteria: Invitae Variant Classification Sherloc (09022015). Collection method: clinical testing. Allele origin: germline.
Comment: This variant occurs in a non-coding region of the ADSL gene. It does not change the encoded amino acid sequence of the ADSL protein. This variant is present in population databases (no rsID available, gnomAD 0.007%). This variant has not been reported in the literature in individuals affected with ADSL-related conditions. Experimental studies and prediction algorithms are not available or were not evaluated, and the functional significance of this variant is currently unknown. In summary, the available evidence is currently insufficient to determine the role of this variant in disease. Therefore, it has been classified as a Variant of Uncertain Significance.

NC_000022.11:g.40345927G>A

Gene: ADSL (adenylosuccinate lyase; plus strand). Cytogenetic location: 22q13.1.
Variant type: single nucleotide variant.
Genome position: GRCh38 VCF-style: chr22-40345927-G-A. GRCh37 (hg19) VCF-style: chr22-40741931-G-A.
Identifiers: ClinVar variation 1485952 (VCV001485952.4), dbSNP rs1197880670, ClinGen allele CA639407958.
Genomic context (GRCh38, chr22:40,345,927, plus strand): 5'-AAATCTGCCTGCCTCGACCTCCCGAAGTGCTGGGATTACAGGCGTAGGCCACCGCAGCCG[G>A]CTCACTGGGGGCGCAGTAAATGCCGATTTCCCTTGGGTATCTTCATTTCTCCTTAGAGCC-3'